The following is an entry in ClinVar:

NM_021098.3(CACNA1H):c.3272C>T (p.Ser1091Leu)

Gene: CACNA1H (calcium voltage-gated channel subunit alpha1 H; plus strand). Cytogenetic location: 16p13.3.
Variant type: single nucleotide variant.
Coding change: c.3272C>T on transcript NM_021098.3 (MANE Select); coding-DNA position 3272, C replaced by T.
Protein change: p.Ser1091Leu; replaces serine 1091 with leucine.
Molecular consequence: missense variant.
Genome position (GRCh38, 1-based): chr16:1,208,130, C>T. VCF-style: chr16-1208130-C-T. GRCh37 (hg19) VCF-style: chr16-1258130-C-T.
Other names: c.3272C>T, p.Ser1091Leu (NM_001005407.2); short protein forms S1091L.
Identifiers: ClinVar variation 970849 (VCV000970849.9), dbSNP rs1184994482, ClinGen allele CA394172096.

ClinVar aggregate classification (germline): Uncertain significance (1 of 4 stars; one submission).

Conditions:
Idiopathic generalized epilepsy. Also called: Generalised epilepsy; EIG. Identifiers: MedGen C0270850, MONDO:0005579, OMIM 600669.
Hyperaldosteronism, familial, type IV (HALD4). Also called: FH IV; ALDOSTERONISM, PRIMARY, AND HYPERTENSION. Identifiers: Orphanet 642671, MedGen C4310756, MONDO:0014875, OMIM 617027.

gnomAD v4.1: 2 of 1,591,846 alleles (0.00013%); highest among the groups gnomAD compares: Non-Finnish European, 0.00017%; no homozygotes.

Submission:

Labcorp Genetics (formerly Invitae), Labcorp
Classification: Uncertain significance for Idiopathic generalized epilepsy; Hyperaldosteronism, familial, type IV. Last evaluated: 2019-10-12. Review status: criteria provided, single submitter. Criteria: Invitae Variant Classification Sherloc (09022015). Collection method: clinical testing. Allele origin: germline.
Comment: This variant is not present in population databases (ExAC no frequency). This sequence change replaces serine with leucine at codon 1091 of the CACNA1H protein (p.Ser1091Leu). The serine residue is highly conserved and there is a large physicochemical difference between serine and leucine. Algorithms developed to predict the effect of missense changes on protein structure and function output the following: SIFT: "Deleterious"; PolyPhen-2: "Benign"; Align-GVGD: "Class C15". The leucine amino acid residue is found in multiple mammalian species, suggesting that this missense change does not adversely affect protein function. These predictions have not been confirmed by published functional studies and their clinical significance is uncertain. In summary, the available evidence is currently insufficient to determine the role of this variant in disease. Therefore, it has been classified as a Variant of Uncertain Significance. This variant has not been reported in the literature in individuals with CACNA1H-related conditions.